The following is an entry in ClinVar:

NM_000642.3(AGL):c.2585T>A (p.Ile862Asn)

Gene: AGL (amylo-alpha-1,6-glucosidase and 4-alpha-glucanotransferase; plus strand). Cytogenetic location: 1p21.2.
Variant type: single nucleotide variant.
Coding change: c.2585T>A on transcript NM_000642.3 (MANE Select); coding-DNA position 2585, T replaced by A.
Protein change: p.Ile862Asn; replaces isoleucine 862 with asparagine.
Molecular consequence: missense variant.
Genome position (GRCh38, 1-based): chr1:99,884,607, T>A. VCF-style: chr1-99884607-T-A. GRCh37 (hg19) VCF-style: chr1-100350163-T-A.
Other names: c.2585T>A, p.Ile862Asn (NM_000028.3, NM_000643.3, NM_000644.3 and 2 more transcripts); c.2537T>A, p.Ile846Asn (NM_000646.3); c.2384T>A, p.Ile795Asn (NM_001425327.1); c.2381T>A, p.Ile794Asn (NM_001425328.1); c.2207T>A, p.Ile736Asn (NM_001425332.1); short protein forms I846N, I862N, I736N, I794N, I795N.
Identifiers: ClinVar variation 1714208 (VCV001714208.6), dbSNP rs2524677158, ClinGen allele CA341321630.
Genomic context (GRCh38, chr1:99,884,607, plus strand): 5'-ACTTTTTAATTAACATTTTCAGAGTTAGTCTTGATCCACATGCACAAGTCGCTGTTGGAA[T>A]TCTTCGAAATCATCTGACACAATTCAGTCCTCACTTTAAATCTGGCAGCCTAGCTGTTGA-3'
Protein context (NP_000633.2, residues 852-872): LDPHAQVAVG[Ile862Asn]LRNHLTQFSP

ClinVar aggregate classification (germline): Uncertain significance (1 of 4 stars; one submission).

Conditions:
Glycogen storage disease type III (GSD3). Also called: Cori disease; FORBES DISEASE. Identifiers: Orphanet 366, MedGen C0017922, MONDO:0009291, OMIM 232400.

Submission:

Labcorp Genetics (formerly Invitae), Labcorp
Classification: Uncertain significance for Glycogen storage disease type III. Last evaluated: 2022-08-09. Review status: criteria provided, single submitter. Criteria: Invitae Variant Classification Sherloc (09022015). Collection method: clinical testing. Allele origin: germline.
Comment: This sequence change replaces isoleucine, which is neutral and non-polar, with asparagine, which is neutral and polar, at codon 862 of the AGL protein (p.Ile862Asn). This variant is not present in population databases (gnomAD no frequency). This variant has not been reported in the literature in individuals affected with AGL-related conditions. Algorithms developed to predict the effect of missense changes on protein structure and function are either unavailable or do not agree on the potential impact of this missense change (SIFT: "Deleterious"; PolyPhen-2: "Benign"; Align-GVGD: "Class C0"). In summary, the available evidence is currently insufficient to determine the role of this variant in disease. Therefore, it has been classified as a Variant of Uncertain Significance.